The following is an entry in ClinVar:

ClinVar aggregate classification (germline): Uncertain significance. Review status: criteria provided, multiple submitters, no conflicts (2 of 4 stars). 2 submissions from 2 submitters: Uncertain significance (2). Last evaluated 2024-02-29.

Conditions:
Developmental and epileptic encephalopathy, 54. Also called: Epileptic encephalopathy, early infantile, 54; HNRNPU-Related Neurodevelopmental Disorder. Identifiers: MedGen C4479319, MONDO:0033363, OMIM 617391.

Submissions (2):

Revvity Omics, Revvity
Classification: Uncertain significance for Developmental and epileptic encephalopathy, 54. Last evaluated: 2024-02-29. Review status: criteria provided, single submitter. Criteria: ACMG Guidelines, 2015. Collection method: clinical testing. Allele origin: germline.

Labcorp Genetics (formerly Invitae), Labcorp
Classification: Uncertain significance for Developmental and epileptic encephalopathy, 54. Last evaluated: 2023-05-16. Review status: criteria provided, single submitter. Criteria: Invitae Variant Classification Sherloc (09022015). Collection method: clinical testing. Allele origin: germline.
Comment: This sequence change replaces alanine, which is neutral and non-polar, with proline, which is neutral and non-polar, at codon 126 of the HNRNPU protein (p.Ala126Pro). In summary, the available evidence is currently insufficient to determine the role of this variant in disease. Therefore, it has been classified as a Variant of Uncertain Significance. An algorithm developed to predict the effect of missense changes on protein structure and function (PolyPhen-2) suggests that this variant is likely to be disruptive. This variant has not been reported in the literature in individuals affected with HNRNPU-related conditions. This variant is not present in population databases (gnomAD no frequency).

NM_031844.3(HNRNPU):c.376G>C (p.Ala126Pro)

Gene: HNRNPU (heterogeneous nuclear ribonucleoprotein U; minus strand). Cytogenetic location: 1q44.
Variant type: single nucleotide variant.
Coding change: c.376G>C on transcript NM_031844.3 (MANE Select); coding-DNA position 376, G replaced by C.
Protein change: p.Ala126Pro; replaces alanine 126 with proline.
Molecular consequence: missense variant.
Genome position (GRCh38, 1-based): chr1:244,863,932, C>G on the plus strand (G>C on the coding strand, the complement: HNRNPU is on the minus strand). VCF-style: chr1-244863932-C-G. GRCh37 (hg19) VCF-style: chr1-245027234-C-G.
Other names: c.376G>C, p.Ala126Pro (NM_004501.3); short protein forms A126P.
Identifiers: ClinVar variation 2864946 (VCV002864946.4), dbSNP rs2527895239, ClinGen allele CA345497260.